The following is an entry in ClinVar:

NM_022464.5(SIL1):c.193G>A (p.Glu65Lys)

Gene: SIL1 (SIL1 nucleotide exchange factor; minus strand). Cytogenetic location: 5q31.2.
Variant type: single nucleotide variant.
Coding change: c.193G>A on transcript NM_022464.5 (MANE Select); coding-DNA position 193, G replaced by A.
Protein change: p.Glu65Lys; replaces glutamic acid 65 with lysine.
Molecular consequence: missense variant.
Genome position (GRCh38, 1-based): chr5:139,121,086, C>T on the plus strand (G>A on the coding strand, the complement: SIL1 is on the minus strand). VCF-style: chr5-139121086-C-T. GRCh37 (hg19) VCF-style: chr5-138456775-C-T.
Other names: p.Glu65Lys; c.193G>A, p.Glu65Lys (NM_001037633.2); c.193G>A (NM_022464.4); short protein forms E65K.
Identifiers: ClinVar variation 2435934 (VCV002435934.5), dbSNP rs1470293930, ClinGen allele CA361476501.

ClinVar aggregate classification (germline): Uncertain significance. Review status: criteria provided, multiple submitters, no conflicts (2 of 4 stars). 3 submissions from 3 submitters: Uncertain significance (3). Last evaluated 2025-06-03.

Conditions:
Marinesco-Sjögren syndrome (MSS). Also called: Marinesco-SjÃ¶gren syndrome; Marinesco-Sjogren Syndrome. Identifiers: Orphanet 559, MedGen C0024814, MONDO:0009567, OMIM 248800.
Inborn genetic diseases. Identifiers: MedGen C0950123, MeSH D030342.

Allele frequency attached by ClinVar (database versions not stated): TOPMed below 0.00001; gnomAD 0.00001; gnomAD exomes 0.00001.
gnomAD v4.1: 16 of 1,614,070 alleles (0.00099%); highest among the groups gnomAD compares: Middle Eastern, 0.033%; no homozygotes.

Submissions (3):

Ambry Genetics
Classification: Uncertain significance for Inborn genetic diseases. Last evaluated: 2025-06-03. Review status: criteria provided, single submitter. Criteria: Ambry Variant Classification Scheme 2023. Collection method: clinical testing. Allele origin: germline.

Mayo Clinic Laboratories, Mayo Clinic
Classification: Uncertain significance. Last evaluated: 2025-02-21. Review status: criteria provided, single submitter. Criteria: ACMG Guidelines, 2015. Collection method: clinical testing. Allele origin: germline. Observed: 1 variant allele.
Comment: BP4, PM2_supporting

Revvity Omics, Revvity
Classification: Uncertain significance for Marinesco-Sjögren syndrome. Last evaluated: 2019-05-23. Review status: criteria provided, single submitter. Criteria: ACMG Guidelines, 2015. Collection method: clinical testing. Allele origin: germline.